The following is an entry in ClinVar:

NM_000135.4(FANCA):c.3350G>A (p.Arg1117Lys)

Gene: FANCA (FA complementation group A; minus strand). Cytogenetic location: 16q24.3.
Variant type: single nucleotide variant.
Coding change: c.3350G>A on transcript NM_000135.4 (MANE Select); coding-DNA position 3350, G replaced by A.
Protein change: p.Arg1117Lys; replaces arginine 1117 with lysine.
Molecular consequence: missense variant.
Genome position (GRCh38, 1-based): chr16:89,746,889, C>T on the plus strand (G>A on the coding strand, the complement: FANCA is on the minus strand). VCF-style: chr16-89746889-C-T. GRCh37 (hg19) VCF-style: chr16-89813297-C-T.
Other names: c.3350G>A, p.Arg1117Lys (NM_001286167.3); short protein forms R1117K.
Identifiers: ClinVar variation 3907395 (VCV003907395.1).
Genomic context (GRCh38, chr16:89,746,889, plus strand): 5'-ACCCTGAAGAAGTGGGCAGTGATGTCCTGTGTCAGGGCACCTCCGTGGGAGCAGAAGTTT[C>T]TCTGCAAAAGAGTTCAAGGCAGGTAAGAAAAGCCCACAGGAAGAGAGGCGAGACCAACAT-3'
Protein context (NP_000126.2, residues 1107-1127): QFFHLVNSEM[Arg1117Lys]NFCSHGGALT

ClinVar aggregate classification (germline): Uncertain significance (1 of 4 stars; one submission).

Submission:

Women's Health and Genetics/Laboratory Corporation of America, LabCorp
Classification: Uncertain significance. Last evaluated: 2025-06-03. Review status: criteria provided, single submitter. Criteria: LabCorp Variant Classification Summary - May 2015. Collection method: clinical testing. Allele origin: germline.
Comment: Variant summary: FANCA c.3350G>A (p.Arg1117Lys) results in a conservative amino acid change in the encoded protein sequence. Algorithms developed to predict the effect of missense changes on protein structure and function are either unavailable or do not agree on the potential impact of this missense change. Consensus agreement among computation tools predict no significant impact on normal splicing. However, these predictions have yet to be confirmed by functional studies. The variant was absent in 162016 control chromosomes. The available data on variant occurrences in the general population are insufficient to allow any conclusion about variant significance. To our knowledge, no occurrence of c.3350G>A in individuals affected with Fanconi Anemia and no experimental evidence demonstrating its impact on protein function have been reported. No submitters have cited clinical-significance assessments for this variant to ClinVar. Based on the evidence outlined above, the variant was classified as uncertain significance.